The following is an entry in ClinVar:

ClinVar aggregate classification (germline): Likely benign. Review status: criteria provided, single submitter (1 of 4 stars). 2 submissions from 2 submitters: Likely benign (1). 1 of the submissions does not count toward it. Last evaluated 2025-07-29.

Conditions:
Progressive sclerosing poliodystrophy (MTDPS4A). Also called: Alpers-Huttenlocher Syndrome; Mitochondrial DNA Depletion Syndrome 4A; ALPERS PROGRESSIVE INFANTILE POLIODYSTROPHY; NEURONAL DEGENERATION OF CHILDHOOD WITH LIVER DISEASE, PROGRESSIVE; Alpers-Huttenlocher Syndrome (AHS); Alpers Syndrome. Identifiers: Orphanet 726, MedGen C0205710, MONDO:0008758, OMIM 203700.
POLG-related disorder. Also called: POLG-Related Spectrum Disorders; POLG-Related Disorders; POLG-related condition. Identifiers: MedGen C4763519.

Submissions (2):

Labcorp Genetics (formerly Invitae), Labcorp
Classification: Likely benign for Progressive sclerosing poliodystrophy. Last evaluated: 2025-07-29. Review status: criteria provided, single submitter. Criteria: Invitae Variant Classification Sherloc (09022015). Collection method: clinical testing. Allele origin: germline.

PreventionGenetics, part of Exact Sciences
Classification: Likely benign for POLG-related condition. Last evaluated: 2024-05-21. Review status: no assertion criteria provided. Collection method: clinical testing. Allele origin: germline. Not counted in ClinVar's aggregate classification.
Comment: This variant is classified as likely benign based on ACMG/AMP sequence variant interpretation guidelines (Richards et al. 2015 PMID: 25741868, with internal and published modifications).

NM_002693.3(POLG):c.1422C>T (p.Leu474=)

Gene: POLG (DNA polymerase gamma, catalytic subunit; minus strand). Cytogenetic location: 15q26.1.
Variant type: single nucleotide variant.
Coding change: c.1422C>T on transcript NM_002693.3 (MANE Select); coding-DNA position 1422, C replaced by T.
Protein change: p.Leu474=; no amino-acid change (leucine 474 retained).
Molecular consequence: synonymous variant.
Genome position (GRCh38, 1-based): chr15:89,327,178, G>A on the plus strand (C>T on the coding strand, the complement: POLG is on the minus strand). VCF-style: chr15-89327178-G-A. GRCh37 (hg19) VCF-style: chr15-89870409-G-A.
Other names: c.1422C>T, p.Leu474= (NM_001126131.2).
Identifiers: ClinVar variation 1907586 (VCV001907586.6), dbSNP rs2509255873, ClinGen allele CA492289667.